The following is an entry in ClinVar:

ClinVar aggregate classification (germline): Pathogenic (1 of 4 stars; one submission).

Conditions:
Pyruvate dehydrogenase E3 deficiency (DLDD). Also called: Dihydrolipoamide Dehydrogenase (E3) Deficiency; Lipoamide dehydrogenase deficiency, lactic acidosis due to; Lipoamide dehydrogenase deficiency; Dihydrolipoamide Dehydrogenase E3 Deficiency; DLD DEFICIENCY; E3 DEFICIENCY. Identifiers: Orphanet 2394, Orphanet 765, MedGen C5574660, MONDO:0009529, OMIM 246900.

Allele frequency attached by ClinVar (database versions not stated): gnomAD exomes below 0.00001.
gnomAD v4.1: 1 of 1,613,992 alleles (0.000062%); highest among the groups gnomAD compares: Non-Finnish European, 0.000085%; no homozygotes.

Submission:

Labcorp Genetics (formerly Invitae), Labcorp
Classification: Pathogenic for Pyruvate dehydrogenase E3 deficiency. Last evaluated: 2021-10-08. Review status: criteria provided, single submitter. Criteria: Invitae Variant Classification Sherloc (09022015). Collection method: clinical testing. Allele origin: germline.
Comment: For these reasons, this variant has been classified as Pathogenic. Loss-of-function variants in DLD are known to be pathogenic (PMID: 8968745, 9934985). This variant has not been reported in the literature in individuals with DLD-related conditions. This variant is not present in population databases (ExAC no frequency). This sequence change creates a premature translational stop signal (p.Glu466*) in the DLD gene. It is expected to result in an absent or disrupted protein product.

Literature cited by the submitters: PubMed 8968745; PubMed 9934985.

NM_000108.5(DLD):c.1396G>T (p.Glu466Ter)

Gene: DLD (dihydrolipoamide dehydrogenase; plus strand). Cytogenetic location: 7q31.1.
Variant type: single nucleotide variant.
Coding change: c.1396G>T on transcript NM_000108.5 (MANE Select); coding-DNA position 1396, G replaced by T.
Protein change: p.Glu466Ter; replaces glutamic acid 466 with a stop codon.
Molecular consequence: nonsense.
Genome position (GRCh38, 1-based): chr7:107,919,031, G>T. VCF-style: chr7-107919031-G-T. GRCh37 (hg19) VCF-style: chr7-107559476-G-T.
Other names: c.1099G>T, p.Glu367Ter (NM_001289750.1); c.1327G>T, p.Glu443Ter (NM_001289751.1); c.1252G>T, p.Glu418Ter (NM_001289752.1); short protein forms E367*, E418*, E443*, E466*.
Identifiers: ClinVar variation 1072157 (VCV001072157.7), dbSNP rs2116277809, ClinGen allele CA368859422.